The following is an entry in ClinVar:

NM_000257.4(MYH7):c.1977G>A (p.Met659Ile)

Gene: MYH7 (myosin heavy chain 7; minus strand). Cytogenetic location: 14q11.2.
Variant type: single nucleotide variant.
Coding change: c.1977G>A on transcript NM_000257.4 (MANE Select); coding-DNA position 1977, G replaced by A.
Protein change: p.Met659Ile; replaces methionine 659 with isoleucine.
Molecular consequence: missense variant.
Genome position (GRCh38, 1-based): chr14:23,426,844, C>T on the plus strand (G>A on the coding strand, the complement: MYH7 is on the minus strand). VCF-style: chr14-23426844-C-T. GRCh37 (hg19) VCF-style: chr14-23896053-C-T.
Other names: c.1977G>A (NM_000257.3); short protein forms M659I.
Identifiers: ClinVar variation 1054170 (VCV001054170.10), dbSNP rs1241603111, ClinGen allele CA389049400.
Genomic context (GRCh38, chr14:23,426,844, plus strand): 5'-CTTTGTCTCATTAGGGATGATACAACGTACAAAGTGGGGATGGGTGGAGCGCAAGTTGGT[C>T]ATCAGCTTGTTCAGATTTTCCTGTGGCCAAAAATGCAATAGAGAAAAGTAAAGAAAATGC-3'
Protein context (NP_000248.2, residues 649-669): ALHRENLNKL[Met659Ile]TNLRSTHPHF

ClinVar aggregate classification (germline): Likely pathogenic. Review status: criteria provided, multiple submitters, no conflicts (2 of 4 stars). 2 submissions from 2 submitters: Likely pathogenic (2). Last evaluated 2025-11-06.

Conditions:
Cardiovascular phenotype. Identifiers: MedGen CN230736.
Hypertrophic cardiomyopathy. Also called: HYPERTROPHIC MYOCARDIOPATHY. Identifiers: Orphanet 217569, MedGen C0007194, MeSH D002312, MONDO:0005045, HP:0001639.

Submissions (2):

Labcorp Genetics (formerly Invitae), Labcorp
Classification: Likely pathogenic for Hypertrophic cardiomyopathy. Last evaluated: 2025-11-06. Review status: criteria provided, single submitter. Criteria: Invitae Variant Classification Sherloc (09022015). Collection method: clinical testing. Allele origin: germline.
Comment: This sequence change replaces methionine, which is neutral and non-polar, with isoleucine, which is neutral and non-polar, at codon 659 of the MYH7 protein (p.Met659Ile). This variant is not present in population databases (gnomAD no frequency). This missense change has been observed in individuals with clinical features of autosomal dominant hypertrophic cardiomyopathy (PMID: 12707239, 21959974; internal data). ClinVar contains an entry for this variant (Variation ID: 1054170). Invitae Evidence Modeling of protein sequence and biophysical properties (such as structural, functional, and spatial information, amino acid conservation, physicochemical variation, residue mobility, and thermodynamic stability) indicates that this missense variant is expected to disrupt MYH7 protein function with a positive predictive value of 95%. Experimental studies have shown that this missense change affects MYH7 function (PMID: 39201382). Algorithms developed to predict the effect of sequence changes on RNA splicing suggest that this variant may disrupt the consensus splice site. This variant disrupts the p.Met659 amino acid residue in MYH7. Other variant(s) that disrupt this residue have been observed in individuals with MYH7-related conditions (PMID: 23349452), which suggests that this may be a clinically significant amino acid residue. In summary, the currently available evidence indicates that the variant is pathogenic, but additional data are needed to prove that conclusively. Therefore, this variant has been classified as Likely Pathogenic.

Molecular Diagnostic Laboratory for Inherited Cardiovascular Disease, Montreal Heart Institute
Classification: Likely pathogenic for Cardiovascular phenotype. Last evaluated: 2022-05-03. Review status: criteria provided, single submitter. Criteria: ACMG Guidelines, 2015. Collection method: clinical testing. Allele origin: germline. Affected: yes.

Literature cited by the submitters: PubMed 12707239 (cited by Labcorp Genetics (formerly Invitae), Labcorp); PubMed 21959974 (cited by Labcorp Genetics (formerly Invitae), Labcorp); PubMed 39201382 (cited by Labcorp Genetics (formerly Invitae), Labcorp); PubMed 23349452 (cited by Labcorp Genetics (formerly Invitae), Labcorp).